The following is an entry in ClinVar:

ClinVar aggregate classification (germline): Uncertain significance (1 of 4 stars; one submission).

Submission:

Labcorp Genetics (formerly Invitae), Labcorp
Classification: Uncertain significance. Last evaluated: 2021-11-02. Review status: criteria provided, single submitter. Criteria: Invitae Variant Classification Sherloc (09022015). Collection method: clinical testing. Allele origin: germline.
Comment: In summary, the available evidence is currently insufficient to determine the role of this variant in disease. Therefore, it has been classified as a Variant of Uncertain Significance. This sequence change replaces serine, which is neutral and polar, with phenylalanine, which is neutral and non-polar, at codon 189 of the CLTC protein (p.Ser189Phe). This variant is not present in population databases (gnomAD no frequency). This variant has not been reported in the literature in individuals affected with CLTC-related conditions. Algorithms developed to predict the effect of missense changes on protein structure and function are either unavailable or do not agree on the potential impact of this missense change (SIFT: "Deleterious"; PolyPhen-2: "Not Available"; Align-GVGD: "Class C15").

NM_004859.4(CLTC):c.554C>T (p.Ser185Phe)

Gene: CLTC (clathrin heavy chain; plus strand). Cytogenetic location: 17q23.1.
Variant type: single nucleotide variant.
Coding change: c.554C>T on transcript NM_004859.4 (MANE Select); coding-DNA position 554, C replaced by T.
Protein change: p.Ser185Phe; replaces serine 185 with phenylalanine.
Molecular consequence: missense variant.
Genome position (GRCh38, 1-based): chr17:59,648,274, C>T. VCF-style: chr17-59648274-C-T. GRCh37 (hg19) VCF-style: chr17-57725635-C-T.
Other names: c.566C>T, p.Ser189Phe (NM_001288653.2); short protein forms S189F, S185F.
Identifiers: ClinVar variation 1472221 (VCV001472221.6), dbSNP rs2143508067, ClinGen allele CA400420833.